The following is an entry in ClinVar:

NM_152296.5(ATP1A3):c.8A>G (p.Asp3Gly)

Gene: ATP1A3 (ATPase Na+/K+ transporting subunit alpha 3; minus strand). Cytogenetic location: 19q13.2.
Variant type: single nucleotide variant.
Coding change: c.8A>G on transcript NM_152296.5 (MANE Select); coding-DNA position 8, A replaced by G.
Protein change: p.Asp3Gly; replaces aspartic acid 3 with glycine.
Molecular consequence: missense variant.
Genome position (GRCh38, 1-based): chr19:41,988,561, T>C on the plus strand (A>G on the coding strand, the complement: ATP1A3 is on the minus strand). VCF-style: chr19-41988561-T-C. GRCh37 (hg19) VCF-style: chr19-42492713-T-C.
Other names: c.41A>G, p.Asp14Gly (NM_001256213.2); c.47A>G, p.Asp16Gly (NM_001256214.2); short protein forms D14G, D16G, D3G.
Identifiers: ClinVar variation 2420539 (VCV002420539.6), dbSNP rs1555866352, ClinGen allele CA406058082.

ClinVar aggregate classification (germline): Uncertain significance (1 of 4 stars; one submission).

Conditions:
Dystonia 12 (DYT12). Also called: DYT-ATP1A3; Rapid-Onset Dystonia-Parkinsonism (RDP). Identifiers: Orphanet 71517, MedGen C1868681, MONDO:0007496, OMIM 128235.

Submission:

Labcorp Genetics (formerly Invitae), Labcorp
Classification: Uncertain significance for Dystonia 12. Last evaluated: 2022-07-10. Review status: criteria provided, single submitter. Criteria: Invitae Variant Classification Sherloc (09022015). Collection method: clinical testing. Allele origin: germline.
Comment: In summary, the available evidence is currently insufficient to determine the role of this variant in disease. Therefore, it has been classified as a Variant of Uncertain Significance. Algorithms developed to predict the effect of sequence changes on RNA splicing suggest that this variant may disrupt the consensus splice site. Algorithms developed to predict the effect of missense changes on protein structure and function are either unavailable or do not agree on the potential impact of this missense change (SIFT: "Tolerated"; PolyPhen-2: "Not Available"; Align-GVGD: "Class C0"). This variant has not been reported in the literature in individuals affected with ATP1A3-related conditions. This variant is present in population databases (no rsID available, gnomAD 0.0009%). This sequence change replaces aspartic acid, which is acidic and polar, with glycine, which is neutral and non-polar, at codon 3 of the ATP1A3 protein (p.Asp3Gly).